The following is an entry in ClinVar:

ClinVar aggregate classification (germline): Likely pathogenic. Review status: criteria provided, multiple submitters, no conflicts (2 of 4 stars). 2 submissions from 2 submitters: Likely pathogenic (2). Last evaluated 2026-07-01.

Conditions:
Glycogen storage disease, type II (IOPD). Also called: CARDIOMEGALIA GLYCOGENICA DIFFUSA; GLYCOGENOSIS, GENERALIZED, CARDIAC FORM; GSD II; Glycogen storage disease type 2; Acid maltase deficiency disease; Aglucosidase alfa. Identifiers: Orphanet 365, MedGen C0017921, MONDO:0009290, OMIM 232300.

Submissions (2):

Genomenon, Inc
Classification: Likely pathogenic for Glycogen storage disease, type II. Last evaluated: 2026-07-01. Review status: criteria provided, single submitter. Criteria: Genomenon Sequence Variant Interpretation Standards - Updated. Collection method: curation. Allele origin: germline. Affected: no.
Comment: GAA p.Ser654Ter (c.1961C>G) is a nonsense variant that introduces a premature stop codon at amino acid position 654 and is predicted to result in a truncated or absent protein product. This variant has been reported in the published literature (PMID:31342611;33560568). It is absent or not present at a significant frequency in gnomAD. In conclusion, we classify GAA p.Ser654Ter (c.1961C>G) as a likely pathogenic variant.

Revvity Omics, Revvity
Classification: Likely pathogenic. Last evaluated: 2022-07-20. Review status: criteria provided, single submitter. Criteria: ACMG Guidelines, 2015. Collection method: clinical testing. Allele origin: germline.

Literature cited by the submitters: PubMed 31342611 (cited by Genomenon, Inc); PubMed 33560568 (cited by Genomenon, Inc).

NM_000152.5(GAA):c.1961C>G (p.Ser654Ter)

Gene: GAA (alpha glucosidase; plus strand). Cytogenetic location: 17q25.3.
Variant type: single nucleotide variant.
Coding change: c.1961C>G on transcript NM_000152.5 (MANE Select); coding-DNA position 1961, C replaced by G.
Protein change: p.Ser654Ter; replaces serine 654 with a stop codon.
Molecular consequence: nonsense.
Genome position (GRCh38, 1-based): chr17:80,112,948, C>G. VCF-style: chr17-80112948-C-G. GRCh37 (hg19) VCF-style: chr17-78086747-C-G.
Other names: c.1961C>G, p.Ser654Ter (NM_001079803.3, NM_001079804.3, NM_001406741.1 and 1 more transcripts); short protein forms S654*.
Identifiers: ClinVar variation 2440365 (VCV002440365.4), dbSNP rs1057518106, ClinGen allele CA401369960.